The following is an entry in ClinVar:

NM_001199107.2(TBC1D24):c.1306C>T (p.Gln436Ter)

Gene: TBC1D24 (TBC1 domain family member 24; plus strand). Cytogenetic location: 16p13.3.
Variant type: single nucleotide variant.
Coding change: c.1306C>T on transcript NM_001199107.2 (MANE Select); coding-DNA position 1306, C replaced by T.
Protein change: p.Gln436Ter; replaces glutamine 436 with a stop codon.
Molecular consequence: nonsense.
Genome position (GRCh38, 1-based): chr16:2,500,271, C>T. VCF-style: chr16-2500271-C-T. GRCh37 (hg19) VCF-style: chr16-2550272-C-T.
Other names: c.1288C>T, p.Gln430Ter (NM_020705.3); short protein forms Q430*, Q436*.
Identifiers: ClinVar variation 2948198 (VCV002948198.3), dbSNP rs2505526251, ClinGen allele CA394380367.
Genomic context (GRCh38, chr16:2,500,271, plus strand): 5'-GGGCAGAGGGGCCTGCGAACGCCCGCGCCAGCTCCTCACACTCCCCTTCCACCCCAGCTG[C>T]AGCCTGAGGTGCAGCGCTACGAGTGGGTGGTGATCAAGCACCCCGAGCTGACCAAGCCCC-3'

ClinVar aggregate classification (germline): Pathogenic (1 of 4 stars; one submission).

Conditions:
Autosomal dominant nonsyndromic hearing loss 65. Also called: Deafness, autosomal dominant 65; TBC1D24-Related Autosomal Dominant Nonsyndromic Hearing Loss (DFNA). Identifiers: Orphanet 90635, MedGen C3892048, MONDO:0014470, OMIM 616044.
Developmental and epileptic encephalopathy, 1 (DEE1). Also called: INFANTILE SPASM SYNDROME, X-LINKED 1; X-linked infantile spasms; West's syndrome; Tonic spasms with clustering, arrest of psychomotor development and hypsarrhythmia on EEG; X-Linked Infantile Spasm Syndrome; OHTAHARA SYNDROME, X-LINKED. Identifiers: MedGen C3463992, MONDO:0010632, OMIM 308350. Disease mechanism: loss of function.

Allele frequency attached by ClinVar (database versions not stated): gnomAD exomes below 0.00001.

Submission:

Labcorp Genetics (formerly Invitae), Labcorp
Classification: Pathogenic for Developmental and epileptic encephalopathy, 1; Autosomal dominant nonsyndromic hearing loss 65. Last evaluated: 2023-05-25. Review status: criteria provided, single submitter. Criteria: Invitae Variant Classification Sherloc (09022015). Collection method: clinical testing. Allele origin: germline.
Comment: This sequence change creates a premature translational stop signal (p.Gln436*) in the TBC1D24 gene. It is expected to result in an absent or disrupted protein product. Loss-of-function variants in TBC1D24 are known to be pathogenic (PMID: 23526554, 24291220). This variant is not present in population databases (gnomAD no frequency). This variant has not been reported in the literature in individuals affected with TBC1D24-related conditions. For these reasons, this variant has been classified as Pathogenic.

Literature cited by the submitters: PubMed 23526554; PubMed 24291220.